The following is an entry in ClinVar:

ClinVar aggregate classification (germline): Uncertain significance (1 of 4 stars; one submission).

gnomAD v4.1: 5 of 1,613,866 alleles (0.00031%); highest among the groups gnomAD compares: Non-Finnish European, 0.00042%; no homozygotes.

Submission:

Labcorp Genetics (formerly Invitae), Labcorp
Classification: Uncertain significance. Last evaluated: 2024-03-21. Review status: criteria provided, single submitter. Criteria: Invitae Variant Classification Sherloc (09022015). Collection method: clinical testing. Allele origin: germline.
Comment: This sequence change replaces tyrosine, which is neutral and polar, with phenylalanine, which is neutral and non-polar, at codon 116 of the C1QB protein (p.Tyr116Phe). This variant is present in population databases (no rsID available, gnomAD 0.007%). This variant has not been reported in the literature in individuals affected with C1QB-related conditions. Advanced modeling of protein sequence and biophysical properties (such as structural, functional, and spatial information, amino acid conservation, physicochemical variation, residue mobility, and thermodynamic stability) performed at Invitae indicates that this missense variant is not expected to disrupt C1QB protein function with a negative predictive value of 80%. In summary, the available evidence is currently insufficient to determine the role of this variant in disease. Therefore, it has been classified as a Variant of Uncertain Significance.

NM_001378156.1(C1QB):c.341A>T (p.Tyr114Phe)

Gene: C1QB (complement C1q B chain; plus strand). Cytogenetic location: 1p36.12.
Variant type: single nucleotide variant.
Coding change: c.341A>T on transcript NM_001378156.1 (MANE Select); coding-DNA position 341, A replaced by T.
Protein change: p.Tyr114Phe; replaces tyrosine 114 with phenylalanine.
Molecular consequence: missense variant.
Genome position (GRCh38, 1-based): chr1:22,660,971, A>T. VCF-style: chr1-22660971-A-T. GRCh37 (hg19) VCF-style: chr1-22987464-A-T.
Other names: c.347A>T, p.Tyr116Phe (NM_000491.5); c.341A>T, p.Tyr114Phe (NM_001371184.3); short protein forms Y116F, Y114F.
Identifiers: ClinVar variation 3695277 (VCV003695277.2).
Genomic context (GRCh38, chr1:22,660,971, plus strand): 5'-GCCCTAAAGGTGGCCCAGGGGCCCCTGGAGCCCCAGGCCCCAAAGGTGAATCGGGAGACT[A>T]CAAGGCCACCCAGAAAATCGCCTTCTCTGCCACAAGAACCATCAACGTCCCCCTGCGCCG-3'
Protein context (NP_001365085.1, residues 104-124): APGPKGESGD[Tyr114Phe]KATQKIAFSA